The following is an entry in ClinVar:

NM_001040716.2(PC):c.1177C>T (p.Arg393Cys)

Gene: PC (pyruvate carboxylase; minus strand). Cytogenetic location: 11q13.2.
Variant type: single nucleotide variant.
Coding change: c.1177C>T on transcript NM_001040716.2 (MANE Select); coding-DNA position 1177, C replaced by T.
Protein change: p.Arg393Cys; replaces arginine 393 with cysteine.
Molecular consequence: missense variant.
Genome position (GRCh38, 1-based): chr11:66,866,195, G>A on the plus strand (C>T on the coding strand, the complement: PC is on the minus strand). VCF-style: chr11-66866195-G-A. GRCh37 (hg19) VCF-style: chr11-66633666-G-A.
Other names: c.1177C>T (NM_000920.3); c.1177C>T, p.Arg393Cys (NM_000920.4, NM_022172.3); short protein forms R393C.
Identifiers: ClinVar variation 2140862 (VCV002140862.3), dbSNP rs757589132, ClinGen allele CA6131971.

ClinVar aggregate classification (germline): Uncertain significance. Review status: criteria provided, multiple submitters, no conflicts (2 of 4 stars). 2 submissions from 2 submitters: Uncertain significance (2). Last evaluated 2024-08-13.

Conditions:
Inborn genetic diseases. Identifiers: MedGen C0950123, MeSH D030342.
Pyruvate carboxylase deficiency. Also called: LEIGH NECROTIZING ENCEPHALOPATHY DUE TO PYRUVATE CARBOXYLASE DEFICIENCY; LEIGH SYNDROME DUE TO PYRUVATE CARBOXYLASE DEFICIENCY; PC DEFICIENCY; ATAXIA WITH LACTIC ACIDOSIS II; Pyruvate Carboxylase Deficiency Disease. Identifiers: Orphanet 3008, MedGen C0034341, MONDO:0009949, OMIM 266150.

Allele frequency attached by ClinVar (database versions not stated): gnomAD exomes 0.00001; ExAC 0.00002; gnomAD 0.00002; TOPMed 0.00006.
gnomAD v4.1: 18 of 1,608,550 alleles (0.0011%); highest among the groups gnomAD compares: Middle Eastern, 0.019%; no homozygotes.

Submissions (2):

Labcorp Genetics (formerly Invitae), Labcorp
Classification: Uncertain significance for Pyruvate carboxylase deficiency. Last evaluated: 2024-08-13. Review status: criteria provided, single submitter. Criteria: Invitae Variant Classification Sherloc (09022015). Collection method: clinical testing. Allele origin: germline.
Comment: This sequence change replaces arginine, which is basic and polar, with cysteine, which is neutral and slightly polar, at codon 393 of the PC protein (p.Arg393Cys). This variant is present in population databases (rs757589132, gnomAD 0.03%). This variant has not been reported in the literature in individuals affected with PC-related conditions. ClinVar contains an entry for this variant (Variation ID: 2140862). Advanced modeling of protein sequence and biophysical properties (such as structural, functional, and spatial information, amino acid conservation, physicochemical variation, residue mobility, and thermodynamic stability) has been performed at Invitae for this missense variant, however the output from this modeling did not meet the statistical confidence thresholds required to predict the impact of this variant on PC protein function. In summary, the available evidence is currently insufficient to determine the role of this variant in disease. Therefore, it has been classified as a Variant of Uncertain Significance.

Ambry Genetics
Classification: Uncertain significance for Inborn genetic diseases. Last evaluated: 2021-02-24. Review status: criteria provided, single submitter. Criteria: Ambry Variant Classification Scheme 2023. Collection method: clinical testing. Allele origin: germline.
Comment: The c.1177C>T (p.R393C) alteration is located in exon 10 (coding exon 8) of the PC gene. This alteration results from a C to T substitution at nucleotide position 1177, causing the arginine (R) at amino acid position 393 to be replaced by a cysteine (C). The p.R393C alteration is predicted to be deleterious by in silico analysis. Based on insufficient or conflicting evidence, the clinical significance of this alteration remains unclear.